The following is an entry in ClinVar:

ClinVar aggregate classification (germline): Pathogenic (1 of 4 stars; one submission).

Conditions:
Familial cancer of breast. Also called: BREAST CANCER, FAMILIAL; Hereditary breast cancer; hereditary breast carcinoma. Identifiers: Orphanet 227535, MedGen C0346153, MONDO:0016419, OMIM 114480. Disease mechanism: loss of function.

Submission:

Myriad Genetics, Inc.
Classification: Pathogenic for Familial cancer of breast. Last evaluated: 2024-01-16. Review status: criteria provided, single submitter. Criteria: Myriad Autosomal Dominant, Autosomal Recessive and X-Linked Classification Criteria (2023). Collection method: clinical testing. Allele origin: unknown.
Comment: This variant is considered pathogenic. This variant creates a frameshift predicted to result in premature protein truncation.

NM_000051.4(ATM):c.1361_1362del (p.Tyr454fs)

Gene: ATM (ATM serine/threonine kinase; plus strand). Cytogenetic location: 11q22.3.
Variant type: Microsatellite.
Coding change: c.1361_1362del on transcript NM_000051.4 (MANE Select); coding-DNA positions 1361 to 1362, 2 bases deleted (AT; older notation c.1361_1362delAT).
Protein change: p.Tyr454fs; shifts the reading frame from tyrosine 454.
Molecular consequence: frameshift variant.
Genome position (GRCh38, 1-based): chr11:108,250,826-108,250,827, AT deleted; deleting any 2 consecutive bases within chr11:108,250,824-108,250,827 gives the same sequence; the c. name uses the placement nearest the transcript's 3' end. VCF-style (leftmost placement, unchanged base first): chr11-108250823-CAT-C. GRCh37 (hg19) VCF-style: chr11-108121550-CAT-C.
Other names: c.1361_1362del, p.Tyr454fs (NM_001351834.2); short protein forms Y454fs.
Identifiers: ClinVar variation 3148124 (VCV003148124.1), dbSNP rs2497243667, ClinGen allele CA2825001774.